The following is an entry in ClinVar:

NM_000455.5(STK11):c.650C>G (p.Pro217Arg)

Gene: STK11 (serine/threonine kinase 11; plus strand). Cytogenetic location: 19p13.3.
Variant type: single nucleotide variant.
Coding change: c.650C>G on transcript NM_000455.5 (MANE Select); coding-DNA position 650, C replaced by G.
Protein change: p.Pro217Arg; replaces proline 217 with arginine.
Molecular consequence: missense variant.
Genome position (GRCh38, 1-based): chr19:1,220,633, C>G. VCF-style: chr19-1220633-C-G. GRCh37 (hg19) VCF-style: chr19-1220632-C-G.
Other names: c.650C>G, p.Pro217Arg (NM_001407255.1); short protein forms P217R.
Identifiers: ClinVar variation 1753952 (VCV001753952.2), dbSNP rs587782146, ClinGen allele CA402949619.
Genomic context (GRCh38, chr19:1,220,633, plus strand): 5'-CGCCACAGGCACTGCACCCGTTCGCGGCGGACGACACCTGCCGGACCAGCCAGGGCTCCC[C>G]GGCTTTCCAGCCGCCCGAGATTGCCAACGGCCTGGACACCTTCTCCGGCTTCAAGGTGGA-3'
Protein context (NP_000446.1, residues 207-227): DDTCRTSQGS[Pro217Arg]AFQPPEIANG

ClinVar aggregate classification (germline): Uncertain significance (1 of 4 stars; one submission).

Conditions:
Hereditary cancer-predisposing syndrome. Also called: Neoplastic Syndromes, Hereditary; Tumor predisposition; Hereditary Cancer Syndrome; Hereditary neoplastic syndrome. Identifiers: Orphanet 140162, MedGen C0027672, MeSH D009386, MONDO:0015356.

Submission:

Ambry Genetics
Classification: Uncertain significance for Hereditary cancer-predisposing syndrome. Last evaluated: 2021-06-08. Review status: criteria provided, single submitter. Criteria: Ambry Variant Classification Scheme 2023. Collection method: clinical testing. Allele origin: germline.
Comment: The p.P217R variant (also known as c.650C>G), located in coding exon 5 of the STK11 gene, results from a C to G substitution at nucleotide position 650. The proline at codon 217 is replaced by arginine, an amino acid with dissimilar properties. This amino acid position is highly conserved in available vertebrate species. In addition, this alteration is predicted to be deleterious by in silico analysis. Since supporting evidence is limited at this time, the clinical significance of this alteration remains unclear.